The following is an entry in ClinVar:

NM_000492.4(CFTR):c.2646G>A (p.Trp882Ter)

Gene: CFTR (CF transmembrane conductance regulator; plus strand). Cytogenetic location: 7q31.2.
Variant type: single nucleotide variant.
Coding change: c.2646G>A on transcript NM_000492.4 (MANE Select); coding-DNA position 2646, G replaced by A.
Protein change: p.Trp882Ter; replaces tryptophan 882 with a stop codon.
Molecular consequence: nonsense.
Genome position (GRCh38, 1-based): chr7:117,602,852, G>A. VCF-style: chr7-117602852-G-A. GRCh37 (hg19) VCF-style: chr7-117242906-G-A.
Other names: short protein forms W882*.
Identifiers: ClinVar variation 983583 (VCV000983583.3), dbSNP rs1792246412, ClinGen allele CA368986064.

ClinVar aggregate classification (germline): Likely pathogenic (1 of 4 stars; one submission).

Conditions:
Cystic fibrosis (CF). Also called: MUCOVISCIDOSIS. Identifiers: Orphanet 586, MedGen C0010674, MONDO:0009061, OMIM 219700. Disease mechanism: loss of function.

Submission:

Myriad Genetics, Inc.
Classification: Likely pathogenic for Cystic fibrosis. Last evaluated: 2019-10-18. Review status: criteria provided, single submitter. Criteria: Myriad Women's Health Autosomal Recessive and X-Linked Classification Criteria (2019). Collection method: clinical testing. Allele origin: unknown.
Comment: NM_000492.3(CFTR):c.2646G>A(W882*) is expected to be pathogenic in the context of cystic fibrosis. This variant is predicted to lead to an abnormal or absent protein product due to the creation of a premature termination codon in CFTR, a gene where loss-of-function variants are known to be pathogenic. Please note: this variant was assessed in the context of healthy population screening.